The following is an entry in ClinVar:

NM_001374385.1(ATP8B1):c.1358C>A (p.Ser453Tyr)

Gene: ATP8B1 (ATPase phospholipid transporting 8B1; minus strand). Cytogenetic location: 18q21.31.
Variant type: single nucleotide variant.
Coding change: c.1358C>A on transcript NM_001374385.1 (MANE Select); coding-DNA position 1358, C replaced by A.
Protein change: p.Ser453Tyr; replaces serine 453 with tyrosine.
Molecular consequence: missense variant.
Genome position (GRCh38, 1-based): chr18:57,688,370, G>T on the plus strand (C>A on the coding strand, the complement: ATP8B1 is on the minus strand). VCF-style: chr18-57688370-G-T. GRCh37 (hg19) VCF-style: chr18-55355602-G-T.
Other names: c.1208C>A, p.Ser403Tyr (NM_001374386.1); c.1358C>A, p.Ser453Tyr (NM_005603.6); short protein forms S403Y, S453Y.
Identifiers: ClinVar variation 4846287 (VCV004846287.1).

ClinVar aggregate classification (germline): Uncertain significance (1 of 4 stars; one submission).

Conditions:
Familial intrahepatic cholestasis. Identifiers: Orphanet 284385, MedGen CN296401, MONDO:0017290.

gnomAD v4.1: 1 of 1,614,178 alleles (0.000062%); highest among the groups gnomAD compares: Non-Finnish European, 0.000085%; no homozygotes.

Submission:

Genomenon, Inc
Classification: Uncertain significance for Familial intrahepatic cholestasis. Last evaluated: 2026-04-14. Review status: criteria provided, single submitter. Criteria: Genomenon Sequence Variant Interpretation Standards - Updated. Collection method: curation. Allele origin: germline. Affected: yes.
Comment: ATP8B1 p.Ser453Tyr (c.1358C>A) is a missense variant that changes the amino acid at residue 453 from Serine to Tyrosine. This variant has been observed in at least one proband with features of ATP8B1-deficiency (PMID:15239083). It is absent or not present at a significant frequency in gnomAD. In silico models predict that this variant is possibly or probably damaging. In conclusion, we classify ATP8B1 p.Ser453Tyr (c.1358C>A) as a variant of uncertain significance.

Literature cited by the submitters: PubMed 15239083.